The following is an entry in ClinVar:

ClinVar aggregate classification (germline): Uncertain significance (1 of 4 stars; one submission).

Submission:

Labcorp Genetics (formerly Invitae), Labcorp
Classification: Uncertain significance. Last evaluated: 2023-07-07. Review status: criteria provided, single submitter. Criteria: Invitae Variant Classification Sherloc (09022015). Collection method: clinical testing. Allele origin: germline.
Comment: This sequence change replaces cysteine, which is neutral and slightly polar, with arginine, which is basic and polar, at codon 38 of the TOP3A protein (p.Cys38Arg). This variant is not present in population databases (gnomAD no frequency). This variant has not been reported in the literature in individuals affected with TOP3A-related conditions. ClinVar contains an entry for this variant (Variation ID: 1965719). An algorithm developed to predict the effect of missense changes on protein structure and function (PolyPhen-2) suggests that this variant is likely to be disruptive. In summary, the available evidence is currently insufficient to determine the role of this variant in disease. Therefore, it has been classified as a Variant of Uncertain Significance.

NM_004618.5(TOP3A):c.112T>C (p.Cys38Arg)

Genes: TOP3A (DNA topoisomerase III alpha; minus strand), LOC130060427 (ATAC-STARR-seq lymphoblastoid active region 11836; plus strand). Cytogenetic location: 17p11.2.
Variant type: single nucleotide variant.
Coding change: c.112T>C on transcript NM_004618.5 (MANE Select); coding-DNA position 112, T replaced by C.
Protein change: p.Cys38Arg; replaces cysteine 38 with arginine.
Molecular consequence: missense variant. On other transcripts: 5 prime UTR variant (1).
Genome position (GRCh38, 1-based): chr17:18,314,667, A>G on the plus strand (T>C on the coding strand, the complement: TOP3A is on the minus strand). VCF-style: chr17-18314667-A-G. GRCh37 (hg19) VCF-style: chr17-18217981-A-G.
Other names: c.-100T>C (NM_001320759.2); short protein forms C38R.
Identifiers: ClinVar variation 1965719 (VCV001965719.5), dbSNP rs2545637741, ClinGen allele CA398643860.